The following is an entry in ClinVar:

ClinVar aggregate classification (germline): Uncertain significance. Review status: criteria provided, multiple submitters, no conflicts (2 of 4 stars). 2 submissions from 2 submitters: Uncertain significance (2). Last evaluated 2025-11-27.

Conditions:
Inborn genetic diseases. Identifiers: MedGen C0950123, MeSH D030342.

Allele frequency attached by ClinVar (database versions not stated): gnomAD 0.00001; gnomAD exomes 0.00001.
gnomAD v4.1: 17 of 1,612,660 alleles (0.0011%); highest among the groups gnomAD compares: Admixed American, 0.0067%; no homozygotes.

Submissions (2):

Labcorp Genetics (formerly Invitae), Labcorp
Classification: Uncertain significance. Last evaluated: 2025-11-27. Review status: criteria provided, single submitter. Criteria: Invitae Variant Classification Sherloc (09022015). Collection method: clinical testing. Allele origin: germline.
Comment: This sequence change replaces leucine, which is neutral and non-polar, with valine, which is neutral and non-polar, at codon 1681 of the FREM1 protein (p.Leu1681Val). This variant is present in population databases (no rsID available, gnomAD 0.002%). This variant has not been reported in the literature in individuals affected with FREM1-related conditions. ClinVar contains an entry for this variant (Variation ID: 2296640). Invitae Evidence Modeling of protein sequence and biophysical properties (such as structural, functional, and spatial information, amino acid conservation, physicochemical variation, residue mobility, and thermodynamic stability) indicates that this missense variant is expected to disrupt FREM1 protein function with a positive predictive value of 80%. In summary, the available evidence is currently insufficient to determine the role of this variant in disease. Therefore, it has been classified as a Variant of Uncertain Significance.

Ambry Genetics
Classification: Uncertain significance for Inborn genetic diseases. Last evaluated: 2022-06-24. Review status: criteria provided, single submitter. Criteria: Ambry Variant Classification Scheme 2023. Collection method: clinical testing. Allele origin: germline.

NM_001379081.2(FREM1):c.5041C>G (p.Leu1681Val)

Gene: FREM1 (FRAS1 related extracellular matrix 1; minus strand). Cytogenetic location: 9p22.3.
Variant type: single nucleotide variant.
Coding change: c.5041C>G on transcript NM_001379081.2 (MANE Select); coding-DNA position 5041, C replaced by G.
Protein change: p.Leu1681Val; replaces leucine 1681 with valine.
Molecular consequence: missense variant. On other transcripts: non-coding transcript variant (2).
Genome position (GRCh38, 1-based): chr9:14,770,623, G>C on the plus strand (C>G on the coding strand, the complement: FREM1 is on the minus strand). VCF-style: chr9-14770623-G-C. GRCh37 (hg19) VCF-style: chr9-14770621-G-C.
Other names: c.649C>G, p.Leu217Val (NM_001177704.3, NM_001370058.2, NM_001370061.2); c.5041C>G, p.Leu1681Val (NM_144966.7); short protein forms L217V, L1681V.
Identifiers: ClinVar variation 2296640 (VCV002296640.3), dbSNP rs1437255606, ClinGen allele CA372962757.